The following is an entry in ClinVar:

NM_006005.3(WFS1):c.1565G>T (p.Arg522Met)

Gene: WFS1 (wolframin ER transmembrane glycoprotein; plus strand). Cytogenetic location: 4p16.1.
Variant type: single nucleotide variant.
Coding change: c.1565G>T on transcript NM_006005.3 (MANE Select); coding-DNA position 1565, G replaced by T.
Protein change: p.Arg522Met; replaces arginine 522 with methionine.
Molecular consequence: missense variant.
Genome position (GRCh38, 1-based): chr4:6,301,360, G>T. VCF-style: chr4-6301360-G-T. GRCh37 (hg19) VCF-style: chr4-6303087-G-T.
Other names: c.1565G>T, p.Arg522Met (NM_001145853.1); short protein forms R522M.
Identifiers: ClinVar variation 2628550 (VCV002628550.4), dbSNP rs2109126144, ClinGen allele CA356175989.

ClinVar aggregate classification (germline): Uncertain significance. Review status: criteria provided, multiple submitters, no conflicts (2 of 4 stars). 3 submissions from 3 submitters: Uncertain significance (3). Last evaluated 2025-09-26.

Conditions:
WFS1-related disorder. Identifiers: MedGen CN379391, MONDO:0700293.
Inborn genetic diseases. Identifiers: MedGen C0950123, MeSH D030342.

Submissions (3):

Ambry Genetics
Classification: Uncertain significance for Inborn genetic diseases. Last evaluated: 2025-09-26. Review status: criteria provided, single submitter. Criteria: Ambry Variant Classification Scheme 2023. Collection method: clinical testing. Allele origin: germline.

Labcorp Genetics (formerly Invitae), Labcorp
Classification: Uncertain significance. Last evaluated: 2024-07-13. Review status: criteria provided, single submitter. Criteria: Invitae Variant Classification Sherloc (09022015). Collection method: clinical testing. Allele origin: germline.
Comment: This sequence change replaces arginine, which is basic and polar, with methionine, which is neutral and non-polar, at codon 522 of the WFS1 protein (p.Arg522Met). This variant is not present in population databases (gnomAD no frequency). This variant has not been reported in the literature in individuals affected with WFS1-related conditions. ClinVar contains an entry for this variant (Variation ID: 2628550). Advanced modeling of protein sequence and biophysical properties (such as structural, functional, and spatial information, amino acid conservation, physicochemical variation, residue mobility, and thermodynamic stability) has been performed at Invitae for this missense variant, however the output from this modeling did not meet the statistical confidence thresholds required to predict the impact of this variant on WFS1 protein function. In summary, the available evidence is currently insufficient to determine the role of this variant in disease. Therefore, it has been classified as a Variant of Uncertain Significance.

PreventionGenetics, part of Exact Sciences
Classification: Uncertain significance for WFS1-related condition. Last evaluated: 2022-09-27. Review status: criteria provided, single submitter. Criteria: ACMG Guidelines, 2015. Collection method: clinical testing. Allele origin: germline.
Comment: The WFS1 c.1565G>T variant is predicted to result in the amino acid substitution p.Arg522Met. To our knowledge, this variant has not been reported in the literature or in a large population database, indicating this variant is rare. At this time, the clinical significance of this variant is uncertain due to the absence of conclusive functional and genetic evidence.